The following is an entry in ClinVar:

ClinVar aggregate classification (germline): Uncertain significance (1 of 4 stars; one submission).

Submission:

Labcorp Genetics (formerly Invitae), Labcorp
Classification: Uncertain significance. Last evaluated: 2023-04-09. Review status: criteria provided, single submitter. Criteria: Invitae Variant Classification Sherloc (09022015). Collection method: clinical testing. Allele origin: germline.
Comment: This sequence change replaces glycine, which is neutral and non-polar, with aspartic acid, which is acidic and polar, at codon 264 of the TOP2B protein (p.Gly264Asp). This variant is not present in population databases (gnomAD no frequency). This variant has not been reported in the literature in individuals affected with TOP2B-related conditions. An algorithm developed to predict the effect of missense changes on protein structure and function (PolyPhen-2) suggests that this variant is likely to be disruptive. In summary, the available evidence is currently insufficient to determine the role of this variant in disease. Therefore, it has been classified as a Variant of Uncertain Significance.

NM_001330700.2(TOP2B):c.806G>A (p.Gly269Asp)

Gene: TOP2B (DNA topoisomerase II beta; minus strand). Cytogenetic location: 3p24.2.
Variant type: single nucleotide variant.
Coding change: c.806G>A on transcript NM_001330700.2 (MANE Select); coding-DNA position 806, G replaced by A.
Protein change: p.Gly269Asp; replaces glycine 269 with aspartic acid.
Molecular consequence: missense variant.
Genome position (GRCh38, 1-based): chr3:25,635,982, C>T on the plus strand (G>A on the coding strand, the complement: TOP2B is on the minus strand). VCF-style: chr3-25635982-C-T. GRCh37 (hg19) VCF-style: chr3-25677473-C-T.
Other names: c.791G>A, p.Gly264Asp (NM_001068.3); short protein forms G269D, G264D.
Identifiers: ClinVar variation 2854378 (VCV002854378.3), dbSNP rs2470366382, ClinGen allele CA351911963.